The following is an entry in ClinVar:

ClinVar aggregate classification (germline): Uncertain significance. Review status: criteria provided, multiple submitters, no conflicts (2 of 4 stars). 2 submissions from 2 submitters: Uncertain significance (2). Last evaluated 2024-06-13.

Conditions:
Neuropathy, hereditary sensory and autonomic, type 2A (HSAN2A). Also called: ACROOSTEOLYSIS, GIACCAI TYPE; ACROOSTEOLYSIS, NEUROGENIC; MORVAN DISEASE; WNK1-Related HSAN2 (HSAN2A); HSAN IIA; NEUROPATHY, CONGENITAL SENSORY. Identifiers: Orphanet 970, MedGen C2752089, MONDO:0024309, OMIM 201300.
Pseudohypoaldosteronism type 2C (PHA2C). Also called: Pseudohypoaldosteronism Type IIC. Identifiers: Orphanet 757, Orphanet 88940, MedGen C1840391, MONDO:0013778, OMIM 614492.

gnomAD v4.1: 1 of 1,610,412 alleles (0.000062%); highest among the groups gnomAD compares: East Asian, 0.0022%; no homozygotes.

Submissions (2):

Labcorp Genetics (formerly Invitae), Labcorp
Classification: Uncertain significance for Neuropathy, hereditary sensory and autonomic, type 2A; Pseudohypoaldosteronism type 2C. Last evaluated: 2024-06-13. Review status: criteria provided, single submitter. Criteria: Invitae Variant Classification Sherloc (09022015). Collection method: clinical testing. Allele origin: germline.
Comment: This sequence change replaces glycine, which is neutral and non-polar, with serine, which is neutral and polar, at codon 186 of the WNK1 protein (p.Gly186Ser). This variant is not present in population databases (gnomAD no frequency). This variant has not been reported in the literature in individuals affected with WNK1-related conditions. Advanced modeling of protein sequence and biophysical properties (such as structural, functional, and spatial information, amino acid conservation, physicochemical variation, residue mobility, and thermodynamic stability) performed at Invitae indicates that this missense variant is not expected to disrupt WNK1 protein function with a negative predictive value of 95%. In summary, the available evidence is currently insufficient to determine the role of this variant in disease. Therefore, it has been classified as a Variant of Uncertain Significance.

Fulgent Genetics
Classification: Uncertain significance for Neuropathy, hereditary sensory and autonomic, type 2A; Pseudohypoaldosteronism type 2C. Last evaluated: 2024-06-08. Review status: criteria provided, single submitter. Criteria: ACMG Guidelines, 2015. Collection method: clinical testing. Allele origin: germline.

NM_018979.4(WNK1):c.556G>A (p.Gly186Ser)

Gene: WNK1 (WNK lysine deficient protein kinase 1; plus strand). Cytogenetic location: 12p13.33.
Variant type: single nucleotide variant.
Coding change: c.556G>A on transcript NM_018979.4 (MANE Select); coding-DNA position 556, G replaced by A.
Protein change: p.Gly186Ser; replaces glycine 186 with serine.
Molecular consequence: missense variant.
Genome position (GRCh38, 1-based): chr12:754,121, G>A. VCF-style: chr12-754121-G-A. GRCh37 (hg19) VCF-style: chr12-863287-G-A.
Other names: c.556G>A, p.Gly186Ser (NM_001184985.2, NM_014823.3, NM_213655.5); short protein forms G186S.
Identifiers: ClinVar variation 3575339 (VCV003575339.3).